The following is an entry in ClinVar:

ClinVar aggregate classification (germline): Pathogenic. Review status: criteria provided, multiple submitters, no conflicts (2 of 4 stars). 5 submissions from 5 submitters: Pathogenic (2). 3 of the submissions do not count toward it. Last evaluated 2023-05-11.

Conditions:
Atypical endometrial hyperplasia. Identifiers: MedGen C0349579, MONDO:0006096.
Familial adenomatous polyposis 1 (FAP1). Also called: FAMILIAL ADENOMATOUS POLYPOSIS 1, ATTENUATED; POLYPOSIS, ADENOMATOUS INTESTINAL. Identifiers: MedGen C2713442, MONDO:0021056, OMIM 175100. Disease mechanism: loss of function.

Submissions (5):

Myriad Genetics, Inc.
Classification: Pathogenic for Familial adenomatous polyposis 1. Last evaluated: 2023-05-11. Review status: criteria provided, single submitter. Criteria: Myriad Autosomal Dominant, Autosomal Recessive and X-Linked Classification Criteria (2023). Collection method: clinical testing. Allele origin: unknown.
Comment: This variant is considered pathogenic. This variant creates a termination codon and is predicted to result in premature protein truncation.

Labcorp Genetics (formerly Invitae), Labcorp
Classification: Pathogenic for Familial adenomatous polyposis 1. Last evaluated: 2021-12-24. Review status: criteria provided, single submitter. Criteria: Invitae Variant Classification Sherloc (09022015). Collection method: clinical testing. Allele origin: germline.
Comment: This sequence change creates a premature translational stop signal (p.Gln1549*) in the APC gene. While this is not anticipated to result in nonsense mediated decay, it is expected to disrupt the last 1295 amino acid(s) of the APC protein. This variant is not present in population databases (gnomAD no frequency). This variant has not been reported in the literature in individuals affected with APC-related conditions. ClinVar contains an entry for this variant (Variation ID: 217986). This variant is expected to disrupt the EB1 and HDLG binding sites, which mediate interactions with the cytoskeleton (PMID: 15311282, 17293347). While functional studies have not been performed to directly test the effect on APC protein function, this suggests that disruption of the C-terminal portion of the protein is functionally important. A different truncation (p.Tyr2645Lysfs*14) that lies downstream of this variant has been determined to be pathogenic (PMID: 9824584, 1316610, 27081525, 8381579, 22135120, Invitae). This suggests that deletion of this region of the APC protein is causative of disease. For these reasons, this variant has been classified as Pathogenic.

Department of Pathology and Laboratory Medicine, Sinai Health System
Classification: Uncertain significance. Review status: no assertion criteria provided. Collection method: clinical testing. Allele origin: unknown. Affected: yes. Observed: 3 variant alleles. Study: The Canadian Open Genetics Repository (COGR). Not counted in ClinVar's aggregate classification.

Martignetti Lab, Icahn School of Medicine at Mount Sinai
Classification: association for Atypical endometrial hyperplasia. Review status: no assertion criteria provided. Collection method: research. Allele origin: somatic. Affected: yes. Not counted in ClinVar's aggregate classification.

Mayo Clinic Laboratories, Mayo Clinic
Classification: Pathogenic. Review status: no assertion criteria provided. Collection method: research. Allele origin: unknown. Observed: 2 variant alleles. Not counted in ClinVar's aggregate classification.

Literature cited by the submitters: PubMed 15311282 (cited by Labcorp Genetics (formerly Invitae), Labcorp); PubMed 17293347 (cited by Labcorp Genetics (formerly Invitae), Labcorp); PubMed 9824584 (cited by Labcorp Genetics (formerly Invitae), Labcorp); PubMed 1316610 (cited by Labcorp Genetics (formerly Invitae), Labcorp); PubMed 27081525 (cited by Labcorp Genetics (formerly Invitae), Labcorp); PubMed 8381579 (cited by Labcorp Genetics (formerly Invitae), Labcorp); PubMed 22135120 (cited by Labcorp Genetics (formerly Invitae), Labcorp).

NM_000038.6(APC):c.4645C>T (p.Gln1549Ter)

Gene: APC (APC regulator of Wnt signaling pathway; plus strand). Cytogenetic location: 5q22.2.
Variant type: single nucleotide variant.
Coding change: c.4645C>T on transcript NM_000038.6 (MANE Select); coding-DNA position 4645, C replaced by T.
Protein change: p.Gln1549Ter; replaces glutamine 1549 with a stop codon.
Molecular consequence: nonsense.
Genome position (GRCh38, 1-based): chr5:112,840,239, C>T. VCF-style: chr5-112840239-C-T. GRCh37 (hg19) VCF-style: chr5-112175936-C-T.
Other names: c.4645C>T, p.Gln1549Ter (NM_001127510.3, NM_001354895.2); c.4591C>T, p.Gln1531Ter (NM_001127511.3); c.4699C>T, p.Gln1567Ter (NM_001354896.2); c.4675C>T, p.Gln1559Ter (NM_001354897.2); c.4570C>T, p.Gln1524Ter (NM_001354898.2); c.4561C>T, p.Gln1521Ter (NM_001354899.2); c.4522C>T, p.Gln1508Ter (NM_001354900.2); c.4468C>T, p.Gln1490Ter (NM_001354901.2); and 5 more; short protein forms Q1531*, Q1549*, Q1423*, Q1448*, Q1521*, Q1559*, Q1567*, Q1389*.
Identifiers: ClinVar variation 217986 (VCV000217986.18), dbSNP rs863225357, ClinGen allele CA279766.